The following is an entry in ClinVar:

ClinVar aggregate classification (germline): Uncertain significance (1 of 4 stars; one submission).

Conditions:
Schimke immuno-osseous dysplasia (SIOD). Also called: Schimke Immunoosseous Dysplasia. Identifiers: Orphanet 1830, MedGen C0877024, MONDO:0009458, OMIM 242900.

gnomAD v4.1: 4 of 1,614,232 alleles (0.00025%); highest among the groups gnomAD compares: African/African-American, 0.0027%; no homozygotes.

Submission:

Labcorp Genetics (formerly Invitae), Labcorp
Classification: Uncertain significance for Schimke immuno-osseous dysplasia. Last evaluated: 2022-06-13. Review status: criteria provided, single submitter. Criteria: Invitae Variant Classification Sherloc (09022015). Collection method: clinical testing. Allele origin: germline.
Comment: This sequence change replaces alanine, which is neutral and non-polar, with glutamic acid, which is acidic and polar, at codon 404 of the SMARCAL1 protein (p.Ala404Glu). This variant is present in population databases (rs761003078, gnomAD 0.007%). This variant has not been reported in the literature in individuals affected with SMARCAL1-related conditions. Algorithms developed to predict the effect of missense changes on protein structure and function are either unavailable or do not agree on the potential impact of this missense change (SIFT: "Tolerated"; PolyPhen-2: "Probably Damaging"; Align-GVGD: "Class C0"). In summary, the available evidence is currently insufficient to determine the role of this variant in disease. Therefore, it has been classified as a Variant of Uncertain Significance.

NM_014140.4(SMARCAL1):c.1211C>A (p.Ala404Glu)

Gene: SMARCAL1 (SNF2 related chromatin remodeling annealing helicase 1; plus strand). Cytogenetic location: 2q35.
Variant type: single nucleotide variant.
Coding change: c.1211C>A on transcript NM_014140.4 (MANE Select); coding-DNA position 1211, C replaced by A.
Protein change: p.Ala404Glu; replaces alanine 404 with glutamic acid.
Molecular consequence: missense variant.
Genome position (GRCh38, 1-based): chr2:216,428,659, C>A. VCF-style: chr2-216428659-C-A. GRCh37 (hg19) VCF-style: chr2-217293382-C-A.
Other names: c.1211C>A, p.Ala404Glu (NM_001127207.2); short protein forms A404E.
Identifiers: ClinVar variation 2140420 (VCV002140420.1), dbSNP rs761003078, ClinGen allele CA2097815.